The following is an entry in ClinVar:

ClinVar aggregate classification (germline): Uncertain significance. Review status: criteria provided, multiple submitters, no conflicts (2 of 4 stars). 3 submissions from 3 submitters: Uncertain significance (3). Last evaluated 2022-05-04.

Conditions:
Holoprosencephaly 4 (HPE4). Identifiers: Orphanet 2162, MedGen C1840528, MONDO:0007734, OMIM 142946.

Allele frequency attached by ClinVar (database versions not stated): ExAC 0.00002; gnomAD exomes 0.00002; TOPMed 0.00005; gnomAD 0.00007; ESP Exome Variant Server 0.00008.

Submissions (3):

Mendelics
Classification: Uncertain significance. Last evaluated: 2022-05-04. Review status: criteria provided, single submitter. Criteria: Mendelics Assertion Criteria 2019. Collection method: clinical testing. Allele origin: germline.

Labcorp Genetics (formerly Invitae), Labcorp
Classification: Uncertain significance for Holoprosencephaly 4. Last evaluated: 2021-12-15. Review status: criteria provided, single submitter. Criteria: Invitae Variant Classification Sherloc (09022015). Collection method: clinical testing. Allele origin: germline.
Comment: This sequence change replaces methionine, which is neutral and non-polar, with valine, which is neutral and non-polar, at codon 97 of the TGIF1 protein (p.Met97Val). This variant is present in population databases (rs369440102, gnomAD 0.004%). This missense change has been observed in individual(s) with holoprosencephaly (PMID: 22859937). Algorithms developed to predict the effect of missense changes on protein structure and function (SIFT, PolyPhen-2, Align-GVGD) all suggest that this variant is likely to be tolerated. In summary, the available evidence is currently insufficient to determine the role of this variant in disease. Therefore, it has been classified as a Variant of Uncertain Significance.

Fulgent Genetics
Classification: Uncertain significance for Holoprosencephaly 4. Last evaluated: 2021-07-21. Review status: criteria provided, single submitter. Criteria: ACMG Guidelines, 2015. Collection method: clinical testing. Allele origin: unknown.

Literature cited by the submitters: PubMed 22859937 (cited by Labcorp Genetics (formerly Invitae), Labcorp).

NM_003244.4(TGIF1):c.289A>G (p.Met97Val)

Gene: TGIF1 (TGFB induced factor homeobox 1; plus strand). Cytogenetic location: 18p11.31.
Variant type: single nucleotide variant.
Coding change: c.289A>G on transcript NM_003244.4 (MANE Select); coding-DNA position 289, A replaced by G.
Protein change: p.Met97Val; replaces methionine 97 with valine.
Molecular consequence: missense variant.
Genome position (GRCh38, 1-based): chr18:3,457,410, A>G. VCF-style: chr18-3457410-A-G. GRCh37 (hg19) VCF-style: chr18-3457408-A-G.
Other names: c.298A>G, p.Met100Val (NM_001278682.2); c.289A>G, p.Met97Val (NM_001278684.2, NM_173208.3); c.229A>G, p.Met77Val (NM_001278686.3, NM_001374396.1, NM_001374397.1 and 5 more transcripts); c.331A>G, p.Met111Val (NM_173207.4); short protein forms M111V, M97V, M77V, M100V.
Identifiers: ClinVar variation 1372531 (VCV001372531.8), dbSNP rs369440102, ClinGen allele CA8875925.
Genomic context (GRCh38, chr18:3,457,410, plus strand): 5'-CCGATATGATTTCAGGTCTGTAACTGGTTCATCAACGCCCGCCGCAGGCTCCTCCCTGAC[A>G]TGCTGAGAAAGGATGGCAAAGATCCAAATCAGTTCACAATTTCCCGCCGTGGGGCCAAGA-3'
Protein context (NP_003235.1, residues 87-107): INARRRLLPD[Met97Val]LRKDGKDPNQ